The following is an entry in ClinVar:

ClinVar aggregate classification (germline): Likely pathogenic (1 of 4 stars; one submission).

Allele frequency attached by ClinVar (database versions not stated): gnomAD exomes below 0.00001.
gnomAD v4.1: 1 of 1,613,916 alleles (0.000062%); highest among the groups gnomAD compares: Non-Finnish European, 0.000085%; no homozygotes.

Submission:

Labcorp Genetics (formerly Invitae), Labcorp
Classification: Likely pathogenic. Last evaluated: 2023-10-30. Review status: criteria provided, single submitter. Criteria: Invitae Variant Classification Sherloc (09022015). Collection method: clinical testing. Allele origin: germline.
Comment: This sequence change affects a donor splice site in intron 40 of the MYO15A gene. It is expected to disrupt RNA splicing. Variants that disrupt the donor or acceptor splice site typically lead to a loss of protein function (PMID: 16199547), and loss-of-function variants in MYO15A are known to be pathogenic (PMID: 17546645). This variant is not present in population databases (gnomAD no frequency). This variant has not been reported in the literature in individuals affected with MYO15A-related conditions. Algorithms developed to predict the effect of sequence changes on RNA splicing suggest that this variant may disrupt the consensus splice site. In summary, the currently available evidence indicates that the variant is pathogenic, but additional data are needed to prove that conclusively. Therefore, this variant has been classified as Likely Pathogenic.

Literature cited by the submitters: PubMed 16199547; PubMed 17546645.

NM_016239.4(MYO15A):c.7787+2T>A

Gene: MYO15A (myosin XVA; plus strand). Cytogenetic location: 17p11.2.
Variant type: single nucleotide variant.
Coding change: c.7787+2T>A on transcript NM_016239.4 (MANE Select); the canonical splice donor site of the intron after coding-DNA position 7787, T replaced by A.
Molecular consequence: splice donor variant.
Genome position (GRCh38, 1-based): chr17:18,151,529, T>A. VCF-style: chr17-18151529-T-A. GRCh37 (hg19) VCF-style: chr17-18054843-T-A.
Identifiers: ClinVar variation 2772929 (VCV002772929.3), dbSNP rs2545287207, ClinGen allele CA398620459.